The following is an entry in ClinVar:

ClinVar aggregate classification (germline): Uncertain significance (1 of 4 stars; one submission).

Conditions:
Epileptic encephalopathy. Identifiers: MedGen C0543888, HP:0200134.

Allele frequency attached by ClinVar (database versions not stated): gnomAD exomes 0.00001 and 0.00005; gnomAD 0.00002 and 0.00003; TOPMed 0.00002; 1000 Genomes Project 30x 0.00016.
gnomAD v4.1: 19 of 1,607,932 alleles (0.0012%); highest among the groups gnomAD compares: East Asian, 0.038%; no homozygotes.

Submission:

Labcorp Genetics (formerly Invitae), Labcorp
Classification: Uncertain significance for Epileptic encephalopathy. Last evaluated: 2025-02-10. Review status: criteria provided, single submitter. Criteria: Invitae Variant Classification Sherloc (09022015). Collection method: clinical testing. Allele origin: germline.
Comment: This sequence change replaces phenylalanine, which is neutral and non-polar, with tyrosine, which is neutral and polar, at codon 886 of the FASN protein (p.Phe886Tyr). This variant is present in population databases (rs761731297, gnomAD 0.07%), and has an allele count higher than expected for a pathogenic variant. This variant has not been reported in the literature in individuals affected with FASN-related conditions. ClinVar contains an entry for this variant (Variation ID: 934726). An algorithm developed to predict the effect of missense changes on protein structure and function (PolyPhen-2) suggests that this variant is likely to be tolerated. In summary, the available evidence is currently insufficient to determine the role of this variant in disease. Therefore, it has been classified as a Variant of Uncertain Significance.

NM_004104.5(FASN):c.2657T>A (p.Phe886Tyr)

Gene: FASN (fatty acid synthase; minus strand). Cytogenetic location: 17q25.3.
Variant type: single nucleotide variant.
Coding change: c.2657T>A on transcript NM_004104.5 (MANE Select); coding-DNA position 2657, T replaced by A.
Protein change: p.Phe886Tyr; replaces phenylalanine 886 with tyrosine.
Molecular consequence: missense variant.
Genome position (GRCh38, 1-based): chr17:82,088,244, A>T on the plus strand (T>A on the coding strand, the complement: FASN is on the minus strand). VCF-style: chr17-82088244-A-T. GRCh37 (hg19) VCF-style: chr17-80046120-A-T.
Other names: short protein forms F886Y.
Identifiers: ClinVar variation 934726 (VCV000934726.10), dbSNP rs761731297, ClinGen allele CA8852694.